The following is an entry in ClinVar:

NM_000081.4(LYST):c.3448A>G (p.Lys1150Glu)

Gene: LYST (lysosomal trafficking regulator; minus strand). Cytogenetic location: 1q42.3.
Variant type: single nucleotide variant.
Coding change: c.3448A>G on transcript NM_000081.4 (MANE Select); coding-DNA position 3448, A replaced by G.
Protein change: p.Lys1150Glu; replaces lysine 1150 with glutamic acid.
Molecular consequence: missense variant.
Genome position (GRCh38, 1-based): chr1:235,804,611, T>C on the plus strand (A>G on the coding strand, the complement: LYST is on the minus strand). VCF-style: chr1-235804611-T-C. GRCh37 (hg19) VCF-style: chr1-235967911-T-C.
Other names: c.3448A>G, p.Lys1150Glu (NM_001301365.1); short protein forms K1150E.
Identifiers: ClinVar variation 1058087 (VCV001058087.6), dbSNP rs764453675, ClinGen allele CA1467070.
Genomic context (GRCh38, chr1:235,804,611, plus strand): 5'-CGAGGGCAACTCGAAGCAGGGCATCAAATAAAGGCTTTGCTAGTTGTGTTTCAATCACCT[T>C]TGACTGGGAAAGATGGTCCCTCATTTCAAATAATATACTTTCCACAGACAAGTTCTAAGG-3'
Protein context (NP_000072.2, residues 1140-1160): FEMRDHLSQS[Lys1150Glu]VIETQLAKPL

ClinVar aggregate classification (germline): Uncertain significance (1 of 4 stars; one submission).

Conditions:
Chédiak-Higashi syndrome (CHS). Also called: Chediak-Higashi Syndrome. Identifiers: Orphanet 167, MedGen C0007965, MONDO:0008963, OMIM 214500.

Allele frequency attached by ClinVar (database versions not stated): gnomAD exomes 0.00001; ExAC 0.00002.
gnomAD v4.1: 10 of 1,611,600 alleles (0.00062%); highest among the groups gnomAD compares: East Asian, 0.018%; no homozygotes.

Submission:

Labcorp Genetics (formerly Invitae), Labcorp
Classification: Uncertain significance for Chédiak-Higashi syndrome. Last evaluated: 2022-01-28. Review status: criteria provided, single submitter. Criteria: Invitae Variant Classification Sherloc (09022015). Collection method: clinical testing. Allele origin: germline.
Comment: In summary, the available evidence is currently insufficient to determine the role of this variant in disease. Therefore, it has been classified as a Variant of Uncertain Significance. Algorithms developed to predict the effect of missense changes on protein structure and function are either unavailable or do not agree on the potential impact of this missense change (SIFT: "Tolerated"; PolyPhen-2: "Possibly Damaging"; Align-GVGD: "Class C0"). ClinVar contains an entry for this variant (Variation ID: 1058087). This variant has not been reported in the literature in individuals affected with LYST-related conditions. This variant is present in population databases (rs764453675, gnomAD 0.01%). This sequence change replaces lysine, which is basic and polar, with glutamic acid, which is acidic and polar, at codon 1150 of the LYST protein (p.Lys1150Glu).